The following is an entry in ClinVar:

ClinVar aggregate classification (germline): Pathogenic (1 of 4 stars; one submission).

Conditions:
Marfan syndrome (MFS). Also called: FBN1-Related Marfan Syndrome; Marfan syndrome type 1; Marfan's syndrome; Marfan syndrome, classic; MARFAN SYNDROME, TYPE I. Identifiers: Orphanet 284963, Orphanet 558, MedGen C0024796, MONDO:0007947, OMIM 154700.

Submission:

Zhou Lab, Center of Laboratory Medicine, Fuwai Hospital
Classification: Pathogenic for Marfan syndrome. Last evaluated: 2018-08-27. Review status: criteria provided, single submitter. Criteria: ACMG Guidelines, 2015. Collection method: research. Allele origin: unknown. Inheritance: Autosomal dominant inheritance. Affected: yes. Observed: 1 variant allele.
Comment: Deletion of exons 44-66 from gene FBN1.

NC_000015.9:g.48703187_48748959del45773

Gene: FBN1 (fibrillin 1; minus strand). Cytogenetic location: 15q21.1.
Variant type: Deletion.
Identifiers: ClinVar variation 560348 (VCV000560348.1).